The following is an entry in ClinVar:

ClinVar aggregate classification (germline): Uncertain significance (0 of 4 stars; one submission).

Conditions:
UCP3-related disorder. Also called: UCP3-related condition.

gnomAD v4.1: 24 of 1,614,038 alleles (0.0015%); highest among the groups gnomAD compares: Non-Finnish European, 0.0019%; no homozygotes.

Submission:

PreventionGenetics, part of Exact Sciences
Classification: Uncertain significance for UCP3-related condition. Last evaluated: 2024-04-28. Review status: no assertion criteria provided. Collection method: clinical testing. Allele origin: germline.
Comment: The UCP3 c.527G>C variant is predicted to result in the amino acid substitution p.Arg176Thr. To our knowledge, this variant has not been reported in the literature. This variant is reported in 0.0040% of alleles in individuals of European (Finnish) descent in gnomAD. At this time, the clinical significance of this variant is uncertain due to the absence of conclusive functional and genetic evidence.

NM_003356.4(UCP3):c.527G>C (p.Arg176Thr)

Gene: UCP3 (uncoupling protein 3; minus strand). Cytogenetic location: 11q13.4.
Variant type: single nucleotide variant.
Coding change: c.527G>C on transcript NM_003356.4 (MANE Select); coding-DNA position 527, G replaced by C.
Protein change: p.Arg176Thr; replaces arginine 176 with threonine.
Molecular consequence: missense variant.
Genome position (GRCh38, 1-based): chr11:74,005,744, C>G on the plus strand (G>C on the coding strand, the complement: UCP3 is on the minus strand). VCF-style: chr11-74005744-C-G. GRCh37 (hg19) VCF-style: chr11-73716789-C-G.
Other names: c.527G>C, p.Arg176Thr (NM_022803.3); short protein forms R176T.
Identifiers: ClinVar variation 3358800 (VCV003358800.1).
Genomic context (GRCh38, chr11:74,005,744, plus strand): 5'-GGGAAAGCTCTGCCTAAGACCGCCTGCGTCCAGAGTCCAGACCTACCTTTCCACAGGCCC[C>G]TGACTCCTTCCTCCCTGGCGATGGTTCTGTAGGCGTCCATAGTCCCGCTGTATTTTCTGT-3'
Protein context (NP_003347.1, residues 166-186): YRTIAREEGV[Arg176Thr]GLWKGTLPNI